The following is an entry in ClinVar:

NM_001232.4(CASQ2):c.855G>C (p.Leu285=)

Gene: CASQ2 (calsequestrin 2; minus strand). Cytogenetic location: 1p13.1.
Variant type: single nucleotide variant.
Coding change: c.855G>C on transcript NM_001232.4 (MANE Select); coding-DNA position 855, G replaced by C.
Protein change: p.Leu285=; no amino-acid change (leucine 285 retained).
Molecular consequence: synonymous variant.
Genome position (GRCh38, 1-based): chr1:115,705,276, C>G on the plus strand (G>C on the coding strand, the complement: CASQ2 is on the minus strand). VCF-style: chr1-115705276-C-G. GRCh37 (hg19) VCF-style: chr1-116247897-C-G.
Identifiers: ClinVar variation 292130 (VCV000292130.36), dbSNP rs148562107, ClinGen allele CA1023714.

ClinVar aggregate classification (germline): Conflicting classifications of pathogenicity. Review status: criteria provided, conflicting classifications (1 of 4 stars). 6 submissions from 6 submitters: Uncertain significance (1); Likely benign (5). Last evaluated 2025-12-21.

Conditions:
Cardiovascular phenotype. Identifiers: MedGen CN230736.
Catecholaminergic polymorphic ventricular tachycardia 1. Also called: RYR2-Related Catecholaminergic Polymorphic Ventricular Tachycardia; VENTRICULAR TACHYCARDIA, CATECHOLAMINERGIC POLYMORPHIC, 1, WITH OR WITHOUT ATRIAL DYSFUNCTION AND/OR DILATED CARDIOMYOPATHY; VENTRICULAR TACHYCARDIA, STRESS-INDUCED POLYMORPHIC 1. Identifiers: Orphanet 3286, MedGen C1631597, MONDO:0011484, OMIM 604772.
Catecholaminergic polymorphic ventricular tachycardia 2. Also called: CASQ2-Related Catecholaminergic Polymorphic Ventricular Tachycardia; VENTRICULAR TACHYCARDIA, STRESS-INDUCED POLYMORPHIC 2. Identifiers: Orphanet 3286, MedGen C2677794, MONDO:0012762, OMIM 611938.

Allele frequency attached by ClinVar (database versions not stated): gnomAD exomes 0.00005 and 0.00008; TOPMed 0.00005; ExAC 0.00007; gnomAD 0.00008; ESP Exome Variant Server 0.00015.
gnomAD v4.1: 86 of 1,612,870 alleles (0.0053%); highest among the groups gnomAD compares: African/African-American, 0.0027%; no homozygotes.

Submissions (6):

Labcorp Genetics (formerly Invitae), Labcorp
Classification: Likely benign for Catecholaminergic polymorphic ventricular tachycardia 1. Last evaluated: 2025-12-21. Review status: criteria provided, single submitter. Criteria: Invitae Variant Classification Sherloc (09022015). Collection method: clinical testing. Allele origin: germline.

Women's Health and Genetics/Laboratory Corporation of America, LabCorp
Classification: Likely benign. Last evaluated: 2025-05-22. Review status: criteria provided, single submitter. Criteria: LabCorp Variant Classification Summary - May 2015. Collection method: clinical testing. Allele origin: germline.

CeGaT Center for Human Genetics Tuebingen
Classification: Likely benign. Last evaluated: 2024-06-01. Review status: criteria provided, single submitter. Criteria: CeGaT Center For Human Genetics Tuebingen Variant Classification Criteria Version 2. Collection method: clinical testing. Allele origin: germline. Affected: yes. Observed: 1 variant allele.
Comment: CASQ2: BP4, BP7

GeneDx
Classification: Likely benign. Last evaluated: 2019-02-11. Review status: criteria provided, single submitter. Criteria: GeneDx Variant Classification Process June 2021. Collection method: clinical testing. Allele origin: germline. Affected: yes.

Ambry Genetics
Classification: Likely benign for Cardiovascular phenotype. Last evaluated: 2018-09-19. Review status: criteria provided, single submitter. Criteria: Ambry Variant Classification Scheme 2023. Collection method: clinical testing. Allele origin: germline.

Illumina Laboratory Services, Illumina
Classification: Uncertain significance for Catecholaminergic polymorphic ventricular tachycardia 2. Last evaluated: 2018-01-12. Review status: criteria provided, single submitter. Criteria: ICSL Variant Classification Criteria 13 December 2019. Collection method: clinical testing. Allele origin: germline.